The following is an entry in ClinVar:

NM_015459.5(ATL3):c.1526A>G (p.Tyr509Cys)

Genes: ATL3 (atlastin GTPase 3; minus strand), LNCROPM (lncRNA regulator of PLAAT3 mediated phospholipid metabolism; plus strand). Cytogenetic location: 11q13.1.
Variant type: single nucleotide variant.
Coding change: c.1526A>G on transcript NM_015459.5 (MANE Select); coding-DNA position 1526, A replaced by G.
Protein change: p.Tyr509Cys; replaces tyrosine 509 with cysteine.
Molecular consequence: missense variant.
Genome position (GRCh38, 1-based): chr11:63,631,053, T>C on the plus strand (A>G on the coding strand, the complement: ATL3 is on the minus strand). VCF-style: chr11-63631053-T-C. GRCh37 (hg19) VCF-style: chr11-63398525-T-C.
Other names: c.1472A>G, p.Tyr491Cys (NM_001290048.2); short protein forms Y491C, Y509C.
Identifiers: ClinVar variation 3369806 (VCV003369806.1).

ClinVar aggregate classification (germline): Uncertain significance (1 of 4 stars; one submission).

gnomAD v4.1: 3 of 1,611,560 alleles (0.00019%); highest among the groups gnomAD compares: South Asian, 0.0022%; no homozygotes.

Submission:

GeneDx
Classification: Uncertain significance. Last evaluated: 2024-02-26. Review status: criteria provided, single submitter. Criteria: GeneDx Variant Classification Process June 2021. Collection method: clinical testing. Allele origin: germline. Affected: yes.
Comment: Not observed at significant frequency in large population cohorts (gnomAD); In silico analysis supports that this missense variant does not alter protein structure/function; Has not been previously published as pathogenic or benign to our knowledge